The following is an entry in ClinVar:

ClinVar aggregate classification (germline): Uncertain significance. Review status: criteria provided, multiple submitters, no conflicts (2 of 4 stars). 2 submissions from 2 submitters: Uncertain significance (2). Last evaluated 2025-03-30.

Conditions:
Charcot-Marie-Tooth disease type 2. Also called: Charcot-Marie-Tooth type 2. Identifiers: Orphanet 64746, MedGen C0270914, MONDO:0018993.

Submissions (2):

Ambry Genetics
Classification: Uncertain significance. Last evaluated: 2025-03-30. Review status: criteria provided, single submitter. Criteria: Ambry Variant Classification Scheme 2023. Collection method: clinical testing. Allele origin: germline.
Comment: The p.S544G variant (also known as c.1630A>G), located in coding exon 16 of the KIF1B gene, results from an A to G substitution at nucleotide position 1630. The serine at codon 544 is replaced by glycine, an amino acid with similar properties. This amino acid position is conserved. In addition, this alteration is predicted to be tolerated by in silico analysis. Based on the available evidence, the clinical significance of this variant remains unclear.

Labcorp Genetics (formerly Invitae), Labcorp
Classification: Uncertain significance for Charcot-Marie-Tooth disease type 2. Last evaluated: 2023-06-16. Review status: criteria provided, single submitter. Criteria: Invitae Variant Classification Sherloc (09022015). Collection method: clinical testing. Allele origin: germline.
Comment: In summary, the available evidence is currently insufficient to determine the role of this variant in disease. Therefore, it has been classified as a Variant of Uncertain Significance. Algorithms developed to predict the effect of missense changes on protein structure and function output the following: SIFT: "Not Available"; PolyPhen-2: "Benign"; Align-GVGD: "Not Available". The glycine amino acid residue is found in multiple mammalian species, which suggests that this missense change does not adversely affect protein function. This variant has not been reported in the literature in individuals affected with KIF1B-related conditions. This variant is not present in population databases (gnomAD no frequency). This sequence change replaces serine, which is neutral and polar, with glycine, which is neutral and non-polar, at codon 544 of the KIF1B protein (p.Ser544Gly).

NM_001365951.3(KIF1B):c.1768A>G (p.Ser590Gly)

Gene: KIF1B (kinesin family member 1B; plus strand). Cytogenetic location: 1p36.22.
Variant type: single nucleotide variant.
Coding change: c.1768A>G on transcript NM_001365951.3 (MANE Select); coding-DNA position 1768, A replaced by G.
Protein change: p.Ser590Gly; replaces serine 590 with glycine.
Molecular consequence: missense variant.
Genome position (GRCh38, 1-based): chr1:10,295,757, A>G. VCF-style: chr1-10295757-A-G. GRCh37 (hg19) VCF-style: chr1-10355815-A-G.
Other names: c.1768A>G, p.Ser590Gly (NM_001365952.1); c.1630A>G, p.Ser544Gly (NM_001365953.1, NM_015074.3, NM_183416.4); short protein forms S544G, S590G.
Identifiers: ClinVar variation 2729073 (VCV002729073.4), dbSNP rs1354464843, ClinGen allele CA338315226.